The following is an entry in ClinVar:

NM_001041.4(SI):c.1378A>T (p.Ser460Cys)

Gene: SI (sucrase-isomaltase; minus strand). Cytogenetic location: 3q26.1.
Variant type: single nucleotide variant.
Coding change: c.1378A>T on transcript NM_001041.4 (MANE Select); coding-DNA position 1378, A replaced by T.
Protein change: p.Ser460Cys; replaces serine 460 with cysteine.
Molecular consequence: missense variant.
Genome position (GRCh38, 1-based): chr3:165,058,983, T>A on the plus strand (A>T on the coding strand, the complement: SI is on the minus strand). VCF-style: chr3-165058983-T-A. GRCh37 (hg19) VCF-style: chr3-164776771-T-A.
Other names: p.Ser460Cys; short protein forms S460C.
Identifiers: ClinVar variation 1441406 (VCV001441406.23), dbSNP rs141450837, ClinGen allele CA2691091.

ClinVar aggregate classification (germline): Uncertain significance. Review status: criteria provided, multiple submitters, no conflicts (2 of 4 stars). 4 submissions from 4 submitters: Uncertain significance (4). Last evaluated 2026-01-05.

Conditions:
Sucrase-isomaltase deficiency (CSID). Also called: Deficiency of isomaltase; Congenital sucrose isomaltose malabsorption; Sucrose isomaltose enzyme deficiency; SI DEFICIENCY. Identifiers: Orphanet 35122, MedGen C1283620, MONDO:0009114, OMIM 222900.

Allele frequency attached by ClinVar (database versions not stated): ExAC 0.00006; gnomAD exomes 0.00007 and 0.00021; TOPMed 0.00008; gnomAD 0.00009 and 0.00010; ESP Exome Variant Server 0.00015.
gnomAD v4.1: 320 of 1,611,452 alleles (0.02%); highest among the groups gnomAD compares: Non-Finnish European, 0.026%; no homozygotes.

Submissions (4):

Labcorp Genetics (formerly Invitae), Labcorp
Classification: Uncertain significance. Last evaluated: 2026-01-05. Review status: criteria provided, single submitter. Criteria: Invitae Variant Classification Sherloc (09022015). Collection method: clinical testing. Allele origin: germline.
Comment: This sequence change replaces serine, which is neutral and polar, with cysteine, which is neutral and slightly polar, at codon 460 of the SI protein (p.Ser460Cys). This variant is present in population databases (rs141450837, gnomAD 0.01%). This variant has not been reported in the literature in individuals affected with SI-related conditions. ClinVar contains an entry for this variant (Variation ID: 1441406). Invitae Evidence Modeling of protein sequence and biophysical properties (such as structural, functional, and spatial information, amino acid conservation, physicochemical variation, residue mobility, and thermodynamic stability) indicates that this missense variant is not expected to disrupt SI protein function with a negative predictive value of 95%. In summary, the available evidence is currently insufficient to determine the role of this variant in disease. Therefore, it has been classified as a Variant of Uncertain Significance.

Mayo Clinic Laboratories, Mayo Clinic
Classification: Uncertain significance. Last evaluated: 2025-08-07. Review status: criteria provided, single submitter. Criteria: ACMG Guidelines, 2015. Collection method: clinical testing. Allele origin: germline. Observed: 1 variant allele.
Comment: BP4_moderate

CeGaT Center for Human Genetics Tuebingen
Classification: Uncertain significance. Last evaluated: 2024-08-01. Review status: criteria provided, single submitter. Criteria: CeGaT Center For Human Genetics Tuebingen Variant Classification Criteria Version 2. Collection method: clinical testing. Allele origin: germline. Affected: yes. Observed: 1 variant allele.
Comment: SI: PM2, PM3

Fulgent Genetics
Classification: Uncertain significance for Sucrase-isomaltase deficiency. Last evaluated: 2024-01-08. Review status: criteria provided, single submitter. Criteria: ACMG Guidelines, 2015. Collection method: clinical testing. Allele origin: germline.